The following is an entry in ClinVar:

ClinVar aggregate classification (germline): Uncertain significance (1 of 4 stars; one submission).

Allele frequency attached by ClinVar (database versions not stated): TOPMed below 0.00001; gnomAD exomes 0.00001.
gnomAD v4.1: 3 of 1,613,836 alleles (0.00019%); highest among the groups gnomAD compares: Admixed American, 0.005%; no homozygotes.

Submission:

Labcorp Genetics (formerly Invitae), Labcorp
Classification: Uncertain significance. Last evaluated: 2025-10-01. Review status: criteria provided, single submitter. Criteria: Invitae Variant Classification Sherloc (09022015). Collection method: clinical testing. Allele origin: germline.
Comment: This sequence change replaces valine, which is neutral and non-polar, with glycine, which is neutral and non-polar, at codon 3190 of the PCLO protein (p.Val3190Gly). This variant is present in population databases (no rsID available, gnomAD 0.006%). This variant has not been reported in the literature in individuals affected with PCLO-related conditions. ClinVar contains an entry for this variant (Variation ID: 1417207). Experimental studies and prediction algorithms are not available or were not evaluated, and the functional significance of this variant is currently unknown. In summary, the available evidence is currently insufficient to determine the role of this variant in disease. Therefore, it has been classified as a Variant of Uncertain Significance.

NM_033026.6(PCLO):c.9569T>G (p.Val3190Gly)

Gene: PCLO (piccolo presynaptic cytomatrix protein; minus strand). Cytogenetic location: 7q21.11.
Variant type: single nucleotide variant.
Coding change: c.9569T>G on transcript NM_033026.6 (MANE Select); coding-DNA position 9569, T replaced by G.
Protein change: p.Val3190Gly; replaces valine 3190 with glycine.
Molecular consequence: missense variant.
Genome position (GRCh38, 1-based): chr7:82,951,019, A>C on the plus strand (T>G on the coding strand, the complement: PCLO is on the minus strand). VCF-style: chr7-82951019-A-C. GRCh37 (hg19) VCF-style: chr7-82580335-A-C.
Other names: c.9569T>G, p.Val3190Gly (NM_014510.3); short protein forms V3190G.
Identifiers: ClinVar variation 1417207 (VCV001417207.5), dbSNP rs893238294, ClinGen allele CA161143995.